The following is an entry in ClinVar:

ClinVar aggregate classification (germline): Uncertain significance (1 of 4 stars; one submission).

Submission:

Labcorp Genetics (formerly Invitae), Labcorp
Classification: Uncertain significance. Last evaluated: 2023-07-17. Review status: criteria provided, single submitter. Criteria: Invitae Variant Classification Sherloc (09022015). Collection method: clinical testing. Allele origin: germline.
Comment: This sequence change replaces alanine, which is neutral and non-polar, with valine, which is neutral and non-polar, at codon 231 of the CCDC88A protein (p.Ala231Val). In summary, the available evidence is currently insufficient to determine the role of this variant in disease. Therefore, it has been classified as a Variant of Uncertain Significance. An algorithm developed to predict the effect of missense changes on protein structure and function (PolyPhen-2) suggests that this variant is likely to be tolerated. ClinVar contains an entry for this variant (Variation ID: 2005410). This variant has not been reported in the literature in individuals affected with CCDC88A-related conditions. This variant is not present in population databases (gnomAD no frequency).

NM_001365480.1(CCDC88A):c.692C>T (p.Ala231Val)

Gene: CCDC88A (coiled-coil and HOOK domain protein 88A; minus strand). Cytogenetic location: 2p16.1.
Variant type: single nucleotide variant.
Coding change: c.692C>T on transcript NM_001365480.1 (MANE Select); coding-DNA position 692, C replaced by T.
Protein change: p.Ala231Val; replaces alanine 231 with valine.
Molecular consequence: missense variant.
Genome position (GRCh38, 1-based): chr2:55,355,687, G>A on the plus strand (C>T on the coding strand, the complement: CCDC88A is on the minus strand). VCF-style: chr2-55355687-G-A. GRCh37 (hg19) VCF-style: chr2-55582823-G-A.
Other names: c.692C>T, p.Ala231Val (NM_001254943.2, NM_018084.5, NM_001135597.2); short protein forms A231V.
Identifiers: ClinVar variation 2005410 (VCV002005410.4), dbSNP rs2544915373, ClinGen allele CA346910001.